The following is an entry in ClinVar:

NM_000038.6(APC):c.7058C>T (p.Thr2353Ile)

Gene: APC (APC regulator of Wnt signaling pathway; plus strand). Cytogenetic location: 5q22.2.
Variant type: single nucleotide variant.
Coding change: c.7058C>T on transcript NM_000038.6 (MANE Select); coding-DNA position 7058, C replaced by T.
Protein change: p.Thr2353Ile; replaces threonine 2353 with isoleucine.
Molecular consequence: missense variant.
Genome position (GRCh38, 1-based): chr5:112,842,652, C>T. VCF-style: chr5-112842652-C-T. GRCh37 (hg19) VCF-style: chr5-112178349-C-T.
Other names: c.7058C>T, p.Thr2353Ile (NM_001127510.3, NM_001354895.2); c.7004C>T, p.Thr2335Ile (NM_001127511.3); c.7112C>T, p.Thr2371Ile (NM_001354896.2); c.7088C>T, p.Thr2363Ile (NM_001354897.2); c.6983C>T, p.Thr2328Ile (NM_001354898.2); c.6974C>T, p.Thr2325Ile (NM_001354899.2); c.6935C>T, p.Thr2312Ile (NM_001354900.2); c.6881C>T, p.Thr2294Ile (NM_001354901.2); and 5 more; short protein forms T2227I, T2294I, T2328I, T2363I, T2371I, T2070I, T2193I, T2262I.
Identifiers: ClinVar variation 649997 (VCV000649997.11), dbSNP rs1580677965, ClinGen allele CA16036713.

ClinVar aggregate classification (germline): Uncertain significance. Review status: criteria provided, multiple submitters, no conflicts (2 of 4 stars). 2 submissions from 2 submitters: Uncertain significance (2). Last evaluated 2025-07-30.

Conditions:
Hereditary cancer-predisposing syndrome. Also called: Neoplastic Syndromes, Hereditary; Tumor predisposition; Hereditary Cancer Syndrome; Hereditary neoplastic syndrome. Identifiers: Orphanet 140162, MedGen C0027672, MeSH D009386, MONDO:0015356.
Familial adenomatous polyposis 1 (FAP1). Also called: FAMILIAL ADENOMATOUS POLYPOSIS 1, ATTENUATED; POLYPOSIS, ADENOMATOUS INTESTINAL. Identifiers: MedGen C2713442, MONDO:0021056, OMIM 175100. Disease mechanism: loss of function.

Allele frequency attached by ClinVar (database versions not stated): gnomAD exomes below 0.00001.
gnomAD v4.1: 1 of 1,613,810 alleles (0.000062%); no homozygotes.

Submissions (2):

Labcorp Genetics (formerly Invitae), Labcorp
Classification: Uncertain significance for Familial adenomatous polyposis 1. Last evaluated: 2025-07-30. Review status: criteria provided, single submitter. Criteria: Invitae Variant Classification Sherloc (09022015). Collection method: clinical testing. Allele origin: germline.
Comment: This sequence change replaces threonine, which is neutral and polar, with isoleucine, which is neutral and non-polar, at codon 2353 of the APC protein (p.Thr2353Ile). This variant is not present in population databases (gnomAD no frequency). This variant has not been reported in the literature in individuals affected with APC-related conditions. ClinVar contains an entry for this variant (Variation ID: 649997). Invitae Evidence Modeling of protein sequence and biophysical properties (such as structural, functional, and spatial information, amino acid conservation, physicochemical variation, residue mobility, and thermodynamic stability) indicates that this missense variant is not expected to disrupt APC protein function with a negative predictive value of 95%. In summary, the available evidence is currently insufficient to determine the role of this variant in disease. Therefore, it has been classified as a Variant of Uncertain Significance.

Ambry Genetics
Classification: Uncertain significance for Hereditary cancer-predisposing syndrome. Last evaluated: 2023-12-24. Review status: criteria provided, single submitter. Criteria: Ambry Variant Classification Scheme 2023. Collection method: clinical testing. Allele origin: germline.
Comment: The p.T2353I variant (also known as c.7058C>T), located in coding exon 15 of the APC gene, results from a C to T substitution at nucleotide position 7058. The threonine at codon 2353 is replaced by isoleucine, an amino acid with similar properties. This amino acid position is conserved. In addition, in silico predictors for this gene do not accurately predict pathogenicity. Since supporting evidence is limited at this time, the clinical significance of this alteration remains unclear.